The following is an entry in ClinVar:

NM_024592.5(SRD5A3):c.*546G>A

Genes: SRD5A3 (steroid 5 alpha-reductase 3; plus strand), SRD5A3-AS1 (SRD5A3 antisense RNA 1; minus strand). Cytogenetic location: 4q12.
Variant type: single nucleotide variant.
Coding change: c.*546G>A on transcript NM_024592.5 (MANE Select); 546 bases downstream of the stop codon, G replaced by A.
Molecular consequence: 3 prime UTR variant.
Genome position (GRCh38, 1-based): chr4:55,370,637, G>A. VCF-style: chr4-55370637-G-A. GRCh37 (hg19) VCF-style: chr4-56236804-G-A.
Other names: NC_000004.11:g.56236804G>A.
Identifiers: ClinVar variation 349019 (VCV000349019.7), dbSNP rs573960, ClinGen allele CA10617897.

ClinVar aggregate classification (germline): Benign. Review status: criteria provided, multiple submitters, no conflicts (2 of 4 stars). 2 submissions from 2 submitters: Benign (2). Last evaluated 2018-01-13.

Conditions:
SRD5A3-congenital disorder of glycosylation. Also called: Congenital disorder of glycosylation type 1Q; COLOBOMA, OCULAR, WITH ICHTHYOSIS, BRAIN MALFORMATIONS, AND ENDOCRINE ABNORMALITIES; CDG Iq; SRD5A3-CDG; Ocular colobomas, ichthyosis, brain malformations and endocrine abnormalities. Identifiers: Orphanet 324737, MedGen C4317224, MONDO:0012885, OMIM 612379.

Allele frequency attached by ClinVar (database versions not stated): TOPMed 0.26078; 1000 Genomes Project 0.26757; 1000 Genomes Project 30x 0.26983; gnomAD 0.27847 and 0.28076; gnomAD exomes 0.33160.
gnomAD v4.1: 44,114 of 156,462 alleles (28%); highest among the groups gnomAD compares: South Asian, 40%; 6,531 homozygotes.

Submissions (6):

Illumina Laboratory Services, Illumina
Classification: Benign for SRD5A3-congenital disorder of glycosylation. Last evaluated: 2018-01-13. Review status: criteria provided, single submitter. Criteria: ICSL Variant Classification Criteria 13 December 2019. Collection method: clinical testing. Allele origin: germline.
Comment: This variant was observed in the ICSL laboratory as part of a predisposition screen in an ostensibly healthy population. It had not been previously curated by ICSL or reported in the Human Gene Mutation Database (HGMD: prior to June 1st, 2018), and was therefore a candidate for classification through an automated scoring system. Utilizing variant allele frequency, disease prevalence and penetrance estimates, and inheritance mode, an automated score was calculated to assess if this variant is too frequent to cause the disease. Based on the score and internal cut-off values, a variant classified as benign is not then subjected to further curation. The score for this variant resulted in a classification of benign for this disease.

Breakthrough Genomics
Classification: Benign. Review status: criteria provided, single submitter. Criteria: ACMG Guidelines, 2015. Collection method: not provided. Allele origin: germline. Inheritance: Autosomal recessive inheritance. Affected: yes.

Dr. Peter K. Rogan Lab, Western University
No classification provided (evidence only). Condition: Cervical cancer. Review status: no classification provided. Collection method: in vitro. Allele origin: not applicable. Functional consequence: retained intron. Not counted in ClinVar's aggregate classification.

Dr. Peter K. Rogan Lab, Western University
No classification provided (evidence only). Condition: Cervical cancer. Review status: no classification provided. Collection method: in vitro. Allele origin: not applicable. Functional consequence: retained intron. Not counted in ClinVar's aggregate classification.

Dr. Peter K. Rogan Lab, Western University
No classification provided (evidence only). Condition: Cervical cancer. Review status: no classification provided. Collection method: in vitro. Allele origin: not applicable. Functional consequence: retained intron. Not counted in ClinVar's aggregate classification.

Dr. Peter K. Rogan Lab, Western University
No classification provided (evidence only). Condition: Uterine carcinosarcoma. Review status: no classification provided. Collection method: in vitro. Allele origin: not applicable. Functional consequence: retained intron. Not counted in ClinVar's aggregate classification.